The following is an entry in ClinVar:

NM_031935.3(HMCN1):c.1106G>C (p.Gly369Ala)

Gene: HMCN1 (hemicentin 1; plus strand). Cytogenetic location: 1q31.1.
Variant type: single nucleotide variant.
Coding change: c.1106G>C on transcript NM_031935.3 (MANE Select); coding-DNA position 1106, G replaced by C.
Protein change: p.Gly369Ala; replaces glycine 369 with alanine.
Molecular consequence: missense variant.
Genome position (GRCh38, 1-based): chr1:185,923,474, G>C. VCF-style: chr1-185923474-G-C. GRCh37 (hg19) VCF-style: chr1-185892606-G-C.
Other names: short protein forms G369A.
Identifiers: ClinVar variation 1923471 (VCV001923471.5), dbSNP rs761876647, ClinGen allele CA343892907.
Genomic context (GRCh38, chr1:185,923,474, plus strand): 5'-ATACTTCTGGAATTTCCACTCCAGCTAGAATAGATCTTCTTGAACTTTTGAGTATCTCAG[G>C]AAGTTCTCTTAAGACTATTCCTGTTAAATATTACCCACATCGAAAACCTTATGGCATATG-3'
Protein context (NP_114141.2, residues 359-379): IDLLELLSIS[Gly369Ala]SSLKTIPVKY

ClinVar aggregate classification (germline): Uncertain significance (1 of 4 stars; one submission).

Allele frequency attached by ClinVar (database versions not stated): TOPMed below 0.00001.
gnomAD v4.1: 3 of 1,610,628 alleles (0.00019%); highest among the groups gnomAD compares: Admixed American, 0.0017%; no homozygotes.

Submission:

Labcorp Genetics (formerly Invitae), Labcorp
Classification: Uncertain significance. Last evaluated: 2023-10-02. Review status: criteria provided, single submitter. Criteria: Invitae Variant Classification Sherloc (09022015). Collection method: clinical testing. Allele origin: germline.
Comment: This sequence change replaces glycine, which is neutral and non-polar, with alanine, which is neutral and non-polar, at codon 369 of the HMCN1 protein (p.Gly369Ala). This variant is not present in population databases (gnomAD no frequency). This variant has not been reported in the literature in individuals affected with HMCN1-related conditions. ClinVar contains an entry for this variant (Variation ID: 1923471). An algorithm developed to predict the effect of missense changes on protein structure and function (PolyPhen-2) suggests that this variant is likely to be disruptive. In summary, the available evidence is currently insufficient to determine the role of this variant in disease. Therefore, it has been classified as a Variant of Uncertain Significance.